The following is an entry in ClinVar:

ClinVar aggregate classification (germline): Benign (0 of 4 stars; one submission).

Conditions:
COL15A1-related disorder. Also called: COL15A1-related condition.

Allele frequency attached by ClinVar (database versions not stated): ESP Exome Variant Server 0.00038; 1000 Genomes Project 30x 0.00422; 1000 Genomes Project 0.00499.
gnomAD v4.1: 2,095 of 1,612,414 alleles (0.13%); highest among the groups gnomAD compares: South Asian, 0.89%; 19 homozygotes.

Submission:

PreventionGenetics, part of Exact Sciences
Classification: Benign for COL15A1-related condition. Last evaluated: 2019-06-21. Review status: no assertion criteria provided. Collection method: clinical testing. Allele origin: germline.
Comment: This variant is classified as benign based on ACMG/AMP sequence variant interpretation guidelines (Richards et al. 2015 PMID: 25741868, with internal and published modifications).

NM_001855.5(COL15A1):c.1979C>A (p.Pro660Gln)

Gene: COL15A1 (collagen type XV alpha 1 chain; plus strand). Cytogenetic location: 9q22.33.
Variant type: single nucleotide variant.
Coding change: c.1979C>A on transcript NM_001855.5 (MANE Select); coding-DNA position 1979, C replaced by A.
Protein change: p.Pro660Gln; replaces proline 660 with glutamine.
Molecular consequence: missense variant.
Genome position (GRCh38, 1-based): chr9:99,024,998, C>A. VCF-style: chr9-99024998-C-A. GRCh37 (hg19) VCF-style: chr9-101787280-C-A.
Other names: short protein forms P660Q.
Identifiers: ClinVar variation 3042519 (VCV003042519.2), dbSNP rs138655830, ClinGen allele CA5155125.